The following is an entry in ClinVar:

ClinVar aggregate classification (germline): Uncertain significance (1 of 4 stars; one submission).

Conditions:
Leber congenital amaurosis 6 (LCA6). Identifiers: Orphanet 65, MedGen C1854260, MONDO:0013446, OMIM 613826.
Cone-rod dystrophy 13 (CORD13). Identifiers: Orphanet 1872, MedGen C2750720, MONDO:0011987, OMIM 608194.

gnomAD v4.1: 7 of 1,604,950 alleles (0.00044%); highest among the groups gnomAD compares: East Asian, 0.016%; no homozygotes.

Submission:

Labcorp Genetics (formerly Invitae), Labcorp
Classification: Uncertain significance for Leber congenital amaurosis 6; Cone-rod dystrophy 13. Last evaluated: 2021-05-26. Review status: criteria provided, single submitter. Criteria: Invitae Variant Classification Sherloc (09022015). Collection method: clinical testing. Allele origin: germline.
Comment: In summary, the available evidence is currently insufficient to determine the role of this variant in disease. Therefore, it has been classified as a Variant of Uncertain Significance. Algorithms developed to predict the effect of missense changes on protein structure and function (SIFT, PolyPhen-2, Align-GVGD) all suggest that this variant is likely to be tolerated, but these predictions have not been confirmed by published functional studies and their clinical significance is uncertain. This variant has not been reported in the literature in individuals with RPGRIP1-related conditions. This variant is present in population databases (rs751421999, ExAC 0.09%). This sequence change replaces serine with cysteine at codon 1083 of the RPGRIP1 protein (p.Ser1083Cys). The serine residue is moderately conserved and there is a moderate physicochemical difference between serine and cysteine.

NM_020366.4(RPGRIP1):c.3248C>G (p.Ser1083Cys)

Gene: RPGRIP1 (RPGR interacting protein 1; plus strand). Cytogenetic location: 14q11.2.
Variant type: single nucleotide variant.
Coding change: c.3248C>G on transcript NM_020366.4 (MANE Select); coding-DNA position 3248, C replaced by G.
Protein change: p.Ser1083Cys; replaces serine 1083 with cysteine.
Molecular consequence: missense variant.
Genome position (GRCh38, 1-based): chr14:21,334,614, C>G. VCF-style: chr14-21334614-C-G. GRCh37 (hg19) VCF-style: chr14-21802773-C-G.
Other names: c.1226C>G, p.Ser409Cys (NM_001377523.1, NM_001377950.1); c.2174C>G, p.Ser725Cys (NM_001377948.1); c.1334C>G, p.Ser445Cys (NM_001377949.1); c.731C>G, p.Ser244Cys (NM_001377951.1); short protein forms S725C, S1083C, S244C, S409C, S445C.
Identifiers: ClinVar variation 1428989 (VCV001428989.8), dbSNP rs751421999, ClinGen allele CA7089470.